The following is an entry in ClinVar:

NM_006922.4(SCN3A):c.5647C>A (p.Pro1883Thr)

Gene: SCN3A (sodium voltage-gated channel alpha subunit 3; minus strand). Cytogenetic location: 2q24.3.
Variant type: single nucleotide variant.
Coding change: c.5647C>A on transcript NM_006922.4 (MANE Select); coding-DNA position 5647, C replaced by A.
Protein change: p.Pro1883Thr; replaces proline 1883 with threonine.
Molecular consequence: missense variant.
Genome position (GRCh38, 1-based): chr2:165,090,506, G>T on the plus strand (C>A on the coding strand, the complement: SCN3A is on the minus strand). VCF-style: chr2-165090506-G-T. GRCh37 (hg19) VCF-style: chr2-165947016-G-T.
Other names: c.5500C>A, p.Pro1834Thr (NM_001081676.2, NM_001081677.2); short protein forms P1834T, P1883T.
Identifiers: ClinVar variation 1717950 (VCV001717950.5), dbSNP rs763522130, ClinGen allele CA349010580.

ClinVar aggregate classification (germline): Uncertain significance (1 of 4 stars; one submission).

Submission:

Labcorp Genetics (formerly Invitae), Labcorp
Classification: Uncertain significance. Last evaluated: 2022-08-24. Review status: criteria provided, single submitter. Criteria: Invitae Variant Classification Sherloc (09022015). Collection method: clinical testing. Allele origin: germline.
Comment: In summary, the available evidence is currently insufficient to determine the role of this variant in disease. Therefore, it has been classified as a Variant of Uncertain Significance. Algorithms developed to predict the effect of missense changes on protein structure and function are either unavailable or do not agree on the potential impact of this missense change (SIFT: "Deleterious"; PolyPhen-2: "Probably Damaging"; Align-GVGD: "Class C0"). This variant has not been reported in the literature in individuals affected with SCN3A-related conditions. This variant is not present in population databases (gnomAD no frequency). This sequence change replaces proline, which is neutral and non-polar, with threonine, which is neutral and polar, at codon 1883 of the SCN3A protein (p.Pro1883Thr).